The following is an entry in ClinVar:

NM_025114.4(CEP290):c.1646G>A (p.Arg549Gln)

Gene: CEP290 (centrosomal protein 290; minus strand). Cytogenetic location: 12q21.32.
Variant type: single nucleotide variant.
Coding change: c.1646G>A on transcript NM_025114.4 (MANE Select); coding-DNA position 1646, G replaced by A.
Protein change: p.Arg549Gln; replaces arginine 549 with glutamine.
Molecular consequence: missense variant.
Genome position (GRCh38, 1-based): chr12:88,118,548, C>T on the plus strand (G>A on the coding strand, the complement: CEP290 is on the minus strand). VCF-style: chr12-88118548-C-T. GRCh37 (hg19) VCF-style: chr12-88512325-C-T.
Other names: short protein forms R549Q.
Identifiers: ClinVar variation 1519885 (VCV001519885.7), dbSNP rs774824252, ClinGen allele CA6712498.
Genomic context (GRCh38, chr12:88,118,548, plus strand): 5'-GTTGCACTTCTTTTTCCTCTTTCTTGAGCCATTTGACGAATTTTTTTTTTCAGATCAAGT[C>T]GTTCTTCCTCTAGACTTTCAATCTGCAAAGTATAAATTATTAGTATTTCTCTATAGTTCA-3'
Protein context (NP_079390.3, residues 539-559): LKEIESLEEE[Arg549Gln]LDLKKKIRQM

ClinVar aggregate classification (germline): Uncertain significance. Review status: criteria provided, multiple submitters, no conflicts (2 of 4 stars). 3 submissions from 3 submitters: Uncertain significance (3). Last evaluated 2024-04-28.

Conditions:
Senior-Loken syndrome 6 (SLSN6). Identifiers: Orphanet 3156, MedGen C1857779, MONDO:0012433, OMIM 610189.
Bardet-Biedl syndrome 14 (BBS14). Identifiers: Orphanet 110, MedGen C2673874, MONDO:0014442, OMIM 615991.
Joubert syndrome 5 (JBTS5). Identifiers: Orphanet 2318, MedGen C1857780, MONDO:0012432, OMIM 610188.
Leber congenital amaurosis 10 (LCA10). Identifiers: Orphanet 65, MedGen C1857821, MONDO:0012723, OMIM 611755.
Meckel syndrome, type 4 (MKS4). Also called: MECKEL-GRUBER SYNDROME, TYPE 4. Identifiers: Orphanet 564, MedGen C1970161, MONDO:0012626, OMIM 611134.
Joubert syndrome. Also called: Familial aplasia of the vermis; JOUBERT-BOLTSHAUSER SYNDROME. Identifiers: Orphanet 475, MedGen C5979921, MONDO:0018772.
Meckel-Gruber syndrome. Also called: DYSENCEPHALIA SPLANCHNOCYSTICA; Dysencephalia splachnocystica; GRUBER SYNDROME. Identifiers: Orphanet 564, MedGen C0265215, MONDO:0018921.
Nephronophthisis. Also called: Juvenile Nephronophthisis. Identifiers: Orphanet 655, MedGen C0687120, MONDO:0019005, HP:0000090.

Allele frequency attached by ClinVar (database versions not stated): gnomAD 0.00001; ExAC 0.00002; gnomAD exomes 0.00003.
gnomAD v4.1: 31 of 1,587,190 alleles (0.002%); highest among the groups gnomAD compares: East Asian, 0.02%; no homozygotes.

Submissions (3):

Fulgent Genetics
Classification: Uncertain significance for Joubert syndrome 5; Senior-Loken syndrome 6; Meckel syndrome, type 4; Leber congenital amaurosis 10; Bardet-Biedl syndrome 14. Last evaluated: 2024-04-28. Review status: criteria provided, single submitter. Criteria: ACMG Guidelines, 2015. Collection method: clinical testing. Allele origin: germline.

Labcorp Genetics (formerly Invitae), Labcorp
Classification: Uncertain significance for Joubert syndrome; Meckel-Gruber syndrome; Nephronophthisis. Last evaluated: 2022-07-12. Review status: criteria provided, single submitter. Criteria: Invitae Variant Classification Sherloc (09022015). Collection method: clinical testing. Allele origin: germline.
Comment: This sequence change replaces arginine, which is basic and polar, with glutamine, which is neutral and polar, at codon 549 of the CEP290 protein (p.Arg549Gln). This variant is present in population databases (rs774824252, gnomAD 0.04%). This variant has not been reported in the literature in individuals affected with CEP290-related conditions. ClinVar contains an entry for this variant (Variation ID: 1519885). Algorithms developed to predict the effect of missense changes on protein structure and function are either unavailable or do not agree on the potential impact of this missense change (SIFT: "Deleterious"; PolyPhen-2: "Probably Damaging"; Align-GVGD: "Class C0"). In summary, the available evidence is currently insufficient to determine the role of this variant in disease. Therefore, it has been classified as a Variant of Uncertain Significance.

Blueprint Genetics
Classification: Uncertain significance. Last evaluated: 2021-01-27. Review status: criteria provided, single submitter. Criteria: ACMG Guidelines, 2015. Collection method: clinical testing. Allele origin: germline.